The following is an entry in ClinVar:

ClinVar aggregate classification (germline): Conflicting classifications of pathogenicity. Review status: criteria provided, conflicting classifications (1 of 4 stars). 2 submissions from 2 submitters: Uncertain significance (1); Likely benign (1). Last evaluated 2026-01-05.

Allele frequency attached by ClinVar (database versions not stated): ExAC 0.00002; TOPMed 0.00029; 1000 Genomes Project 30x 0.00031; gnomAD 0.00032; 1000 Genomes Project 0.00040.

Submissions (2):

Labcorp Genetics (formerly Invitae), Labcorp
Classification: Uncertain significance. Last evaluated: 2026-01-05. Review status: criteria provided, single submitter. Criteria: Invitae Variant Classification Sherloc (09022015). Collection method: clinical testing. Allele origin: germline.
Comment: This sequence change replaces arginine, which is basic and polar, with tryptophan, which is neutral and slightly polar, at codon 320 of the LIPI protein (p.Arg320Trp). This variant is present in population databases (rs534552211, gnomAD 0.08%), and has an allele count higher than expected for a pathogenic variant. This variant has not been reported in the literature in individuals affected with LIPI-related conditions. ClinVar contains an entry for this variant (Variation ID: 2137707). An algorithm developed to predict the effect of missense changes on protein structure and function outputs the following: PolyPhen-2: "Benign". The tryptophan amino acid residue is found in multiple mammalian species, which suggests that this missense change does not adversely affect protein function. In summary, the available evidence is currently insufficient to determine the role of this variant in disease. Therefore, it has been classified as a Variant of Uncertain Significance.

Ambry Genetics
Classification: Likely benign. Last evaluated: 2025-08-22. Review status: criteria provided, single submitter. Criteria: Ambry Variant Classification Scheme 2023. Collection method: clinical testing. Allele origin: germline.

NM_001302998.2(LIPI):c.895C>T (p.Arg299Trp)

Gene: LIPI (lipase I; minus strand). Cytogenetic location: 21q11.2.
Variant type: single nucleotide variant.
Coding change: c.895C>T on transcript NM_001302998.2 (MANE Select); coding-DNA position 895, C replaced by T.
Protein change: p.Arg299Trp; replaces arginine 299 with tryptophan.
Molecular consequence: missense variant.
Genome position (GRCh38, 1-based): chr21:14,165,229, G>A on the plus strand (C>T on the coding strand, the complement: LIPI is on the minus strand). VCF-style: chr21-14165229-G-A. GRCh37 (hg19) VCF-style: chr21-15537550-G-A.
Other names: c.958C>T (NM_198996.2); c.805C>T, p.Arg269Trp (NM_001302999.2); c.895C>T, p.Arg299Trp (NM_001303000.2, NM_001303001.2); c.790C>T, p.Arg264Trp (NM_001379565.1); c.400C>T, p.Arg134Trp (NM_001379566.1); c.760C>T, p.Arg254Trp (NM_198996.4); short protein forms R134W, R254W, R299W, R264W, R269W.
Identifiers: ClinVar variation 2137707 (VCV002137707.5), dbSNP rs534552211, ClinGen allele CA9979500.